The following is an entry in ClinVar:

ClinVar aggregate classification (germline): Uncertain significance (1 of 4 stars; one submission).

Allele frequency attached by ClinVar (database versions not stated): gnomAD exomes 0.00001.
gnomAD v4.1: 4 of 1,614,148 alleles (0.00025%); highest among the groups gnomAD compares: Non-Finnish European, 0.00025%; no homozygotes.

Submission:

Labcorp Genetics (formerly Invitae), Labcorp
Classification: Uncertain significance. Last evaluated: 2024-10-26. Review status: criteria provided, single submitter. Criteria: Invitae Variant Classification Sherloc (09022015). Collection method: clinical testing. Allele origin: germline.
Comment: This sequence change replaces aspartic acid, which is acidic and polar, with glutamic acid, which is acidic and polar, at codon 231 of the AAGAB protein (p.Asp231Glu). This variant is not present in population databases (gnomAD no frequency). This variant has not been reported in the literature in individuals affected with AAGAB-related conditions. ClinVar contains an entry for this variant (Variation ID: 1968345). An algorithm developed to predict the effect of missense changes on protein structure and function outputs the following: PolyPhen-2: "Benign". The glutamic acid amino acid residue is found in multiple mammalian species, which suggests that this missense change does not adversely affect protein function. In summary, the available evidence is currently insufficient to determine the role of this variant in disease. Therefore, it has been classified as a Variant of Uncertain Significance.

NM_024666.5(AAGAB):c.693T>A (p.Asp231Glu)

Gene: AAGAB (alpha and gamma adaptin binding protein; minus strand). Cytogenetic location: 15q23.
Variant type: single nucleotide variant.
Coding change: c.693T>A on transcript NM_024666.5 (MANE Select); coding-DNA position 693, T replaced by A.
Protein change: p.Asp231Glu; replaces aspartic acid 231 with glutamic acid.
Molecular consequence: missense variant.
Genome position (GRCh38, 1-based): chr15:67,208,584, A>T on the plus strand (T>A on the coding strand, the complement: AAGAB is on the minus strand). VCF-style: chr15-67208584-A-T. GRCh37 (hg19) VCF-style: chr15-67500922-A-T.
Other names: c.366T>A, p.Asp122Glu (NM_001271885.2, NM_001271886.2); short protein forms D231E, D122E.
Identifiers: ClinVar variation 1968345 (VCV001968345.5), dbSNP rs2505374864, ClinGen allele CA392960645.